The following is an entry in ClinVar:

NM_198503.5(KCNT2):c.1027C>G (p.Gln343Glu)

Gene: KCNT2 (potassium sodium-activated channel subfamily T member 2; minus strand). Cytogenetic location: 1q31.3.
Variant type: single nucleotide variant.
Coding change: c.1027C>G on transcript NM_198503.5 (MANE Select); coding-DNA position 1027, C replaced by G.
Protein change: p.Gln343Glu; replaces glutamine 343 with glutamic acid.
Molecular consequence: missense variant. On other transcripts: non-coding transcript variant (2).
Genome position (GRCh38, 1-based): chr1:196,425,946, G>C on the plus strand (C>G on the coding strand, the complement: KCNT2 is on the minus strand). VCF-style: chr1-196425946-G-C. GRCh37 (hg19) VCF-style: chr1-196395076-G-C.
Other names: c.1027C>G, p.Gln343Glu (NM_001287819.3, NM_001287820.3); short protein forms Q343E.
Identifiers: ClinVar variation 5018187 (VCV005018187.1).

ClinVar aggregate classification (germline): Uncertain significance (1 of 4 stars; one submission).

Submission:

GeneDx
Classification: Uncertain significance. Last evaluated: 2026-04-03. Review status: criteria provided, single submitter. Criteria: GeneDx Variant Classification Process June 2021. Collection method: clinical testing. Allele origin: germline.
Comment: Not observed at significant frequency in large population cohorts (gnomAD); In silico analysis suggests that this missense variant does not alter protein structure/function; Has not been previously published as pathogenic or benign to our knowledge